The following is an entry in ClinVar:

ClinVar aggregate classification (germline): Uncertain significance. Review status: criteria provided, multiple submitters, no conflicts (2 of 4 stars). 2 submissions from 2 submitters: Uncertain significance (2). Last evaluated 2022-07-06.

Conditions:
Cenani-Lenz syndactyly syndrome. Also called: CENANI SYNDACTYLISM; SYNDACTYLY, TYPE VII. Identifiers: Orphanet 3258, MedGen C1859309, MONDO:0008931, OMIM 212780.
Congenital myasthenic syndrome 17. Identifiers: Orphanet 590, MedGen C4225377, MONDO:0014578, OMIM 616304.
Sclerosteosis 2 (SOST2). Identifiers: Orphanet 3152, MedGen C3280402, MONDO:0013679, OMIM 614305.

Allele frequency attached by ClinVar (database versions not stated): ExAC 0.00001; gnomAD exomes 0.00001 and 0.00007; gnomAD 0.00002.
gnomAD v4.1: 100 of 1,613,722 alleles (0.0062%); highest among the groups gnomAD compares: Non-Finnish European, 0.0083%; no homozygotes.

Submissions (2):

Labcorp Genetics (formerly Invitae), Labcorp
Classification: Uncertain significance for Cenani-Lenz syndactyly syndrome; Sclerosteosis 2; Congenital myasthenic syndrome 17. Last evaluated: 2022-07-06. Review status: criteria provided, single submitter. Criteria: Invitae Variant Classification Sherloc (09022015). Collection method: clinical testing. Allele origin: germline.
Comment: This sequence change replaces arginine, which is basic and polar, with glutamine, which is neutral and polar, at codon 1234 of the LRP4 protein (p.Arg1234Gln). This variant is present in population databases (rs754092006, gnomAD 0.007%). This variant has not been reported in the literature in individuals affected with LRP4-related conditions. ClinVar contains an entry for this variant (Variation ID: 1382323). Algorithms developed to predict the effect of missense changes on protein structure and function (SIFT, PolyPhen-2, Align-GVGD) all suggest that this variant is likely to be disruptive. In summary, the available evidence is currently insufficient to determine the role of this variant in disease. Therefore, it has been classified as a Variant of Uncertain Significance.

Fulgent Genetics
Classification: Uncertain significance for Cenani-Lenz syndactyly syndrome; Sclerosteosis 2; Congenital myasthenic syndrome 17. Last evaluated: 2022-03-05. Review status: criteria provided, single submitter. Criteria: ACMG Guidelines, 2015. Collection method: clinical testing. Allele origin: unknown.

NM_002334.4(LRP4):c.3701G>A (p.Arg1234Gln)

Gene: LRP4 (LDL receptor related protein 4; minus strand). Cytogenetic location: 11p11.2.
Variant type: single nucleotide variant.
Coding change: c.3701G>A on transcript NM_002334.4 (MANE Select); coding-DNA position 3701, G replaced by A.
Protein change: p.Arg1234Gln; replaces arginine 1234 with glutamine.
Molecular consequence: missense variant.
Genome position (GRCh38, 1-based): chr11:46,875,680, C>T on the plus strand (G>A on the coding strand, the complement: LRP4 is on the minus strand). VCF-style: chr11-46875680-C-T. GRCh37 (hg19) VCF-style: chr11-46897231-C-T.
Other names: short protein forms R1234Q.
Identifiers: ClinVar variation 1382323 (VCV001382323.6), dbSNP rs754092006, ClinGen allele CA5969499.
Genomic context (GRCh38, chr11:46,875,680, plus strand): 5'-TGCTGCACCGGTGACACCAATGTATGCCGATTGGCACCATTCAGGTCAGCAGCCTCAATT[C>T]GCTGCAGAGGAAGGAGAGGGTGGGGGGTGGTGATCAGCAGATTGGGAACTCTCCATGGAG-3'
Protein context (NP_002325.2, residues 1224-1244): QLLWADAHTE[Arg1234Gln]IEAADLNGAN